The following is an entry in ClinVar:

NM_033026.6(PCLO):c.3308A>T (p.Glu1103Val)

Gene: PCLO (piccolo presynaptic cytomatrix protein; minus strand). Cytogenetic location: 7q21.11.
Variant type: single nucleotide variant.
Coding change: c.3308A>T on transcript NM_033026.6 (MANE Select); coding-DNA position 3308, A replaced by T.
Protein change: p.Glu1103Val; replaces glutamic acid 1103 with valine.
Molecular consequence: missense variant.
Genome position (GRCh38, 1-based): chr7:82,966,480, T>A on the plus strand (A>T on the coding strand, the complement: PCLO is on the minus strand). VCF-style: chr7-82966480-T-A. GRCh37 (hg19) VCF-style: chr7-82595796-T-A.
Other names: c.3308A>T, p.Glu1103Val (NM_014510.3); short protein forms E1103V.
Identifiers: ClinVar variation 2132639 (VCV002132639.4), dbSNP rs1199236565, ClinGen allele CA367934074.

ClinVar aggregate classification (germline): Uncertain significance (1 of 4 stars; one submission).

gnomAD v4.1: 6 of 1,560,854 alleles (0.00038%); highest among the groups gnomAD compares: Non-Finnish European, 0.00052%; no homozygotes.

Submission:

Labcorp Genetics (formerly Invitae), Labcorp
Classification: Uncertain significance. Last evaluated: 2022-06-28. Review status: criteria provided, single submitter. Criteria: Invitae Variant Classification Sherloc (09022015). Collection method: clinical testing. Allele origin: germline.
Comment: In summary, the available evidence is currently insufficient to determine the role of this variant in disease. Therefore, it has been classified as a Variant of Uncertain Significance. Algorithms developed to predict the effect of missense changes on protein structure and function are either unavailable or do not agree on the potential impact of this missense change (SIFT: "Deleterious"; PolyPhen-2: "Not Available"; Align-GVGD: "Class C0"). This variant has not been reported in the literature in individuals affected with PCLO-related conditions. This variant is not present in population databases (gnomAD no frequency). This sequence change replaces glutamic acid, which is acidic and polar, with valine, which is neutral and non-polar, at codon 1103 of the PCLO protein (p.Glu1103Val).